The following is an entry in ClinVar:

NM_001204.7(BMPR2):c.818T>G (p.Met273Arg)

Gene: BMPR2 (bone morphogenetic protein receptor type 2; plus strand). Cytogenetic location: 2q33.2.
Variant type: single nucleotide variant.
Coding change: c.818T>G on transcript NM_001204.7 (MANE Select); coding-DNA position 818, T replaced by G.
Protein change: p.Met273Arg; replaces methionine 273 with arginine.
Molecular consequence: missense variant.
Genome position (GRCh38, 1-based): chr2:202,519,018, T>G. VCF-style: chr2-202519018-T-G. GRCh37 (hg19) VCF-style: chr2-203383741-T-G.
Other names: c.818T>G (LRG_712t1); short protein forms M273R.
Identifiers: ClinVar variation 425829 (VCV000425829.3), dbSNP rs1085307264, ClinGen allele CA350340574.

ClinVar aggregate classification (germline): Uncertain significance. Review status: criteria provided, multiple submitters, no conflicts (2 of 4 stars). 3 submissions from 3 submitters: Uncertain significance (2). 1 of the submissions does not count toward it. Last evaluated 2025-03-17.

Conditions:
Primary pulmonary hypertension. Also called: Idiopathic pulmonary hypertension. Identifiers: MedGen C0152171.
Pulmonary hypertension, primary, 1 (PPH1). Also called: Pulmonary hypertension, familial primary, 1, with or without HHT. Identifiers: Orphanet 422, MedGen C4552070, MONDO:0024533, OMIM 178600.
Pulmonary venoocclusive disease 1 (PVOD1). Also called: Pulmonary venoocclusive disease 1, autosomal dominant. Identifiers: Orphanet 31837, MedGen C3887658, MONDO:0020713, OMIM 265450.

Allele frequency attached by ClinVar (database versions not stated): gnomAD exomes below 0.00001 and 0.00003; gnomAD 0.00002; TOPMed 0.00002.
gnomAD v4.1: 47 of 1,613,994 alleles (0.0029%); highest among the groups gnomAD compares: Non-Finnish European, 0.0036%; no homozygotes.

Submissions (3):

Labcorp Genetics (formerly Invitae), Labcorp
Classification: Uncertain significance for Primary pulmonary hypertension. Last evaluated: 2025-03-17. Review status: criteria provided, single submitter. Criteria: Invitae Variant Classification Sherloc (09022015). Collection method: clinical testing. Allele origin: germline.
Comment: This sequence change replaces methionine, which is neutral and non-polar, with arginine, which is basic and polar, at codon 273 of the BMPR2 protein (p.Met273Arg). This variant is present in population databases (no rsID available, gnomAD 0.0009%). This missense change has been observed in individuals with coronary artery disease and/or pulmonary arterial hypertension (PMID: 16429395, 19844076, 21801371). ClinVar contains an entry for this variant (Variation ID: 425829). Invitae Evidence Modeling incorporating data from in vitro experimental studies (internal data) indicates that this missense variant is not expected to disrupt BMPR2 function with a negative predictive value of 95%. In summary, the available evidence is currently insufficient to determine the role of this variant in disease. Therefore, it has been classified as a Variant of Uncertain Significance.

Fulgent Genetics
Classification: Uncertain significance for Pulmonary hypertension, primary, 1; Pulmonary venoocclusive disease 1. Last evaluated: 2024-04-10. Review status: criteria provided, single submitter. Criteria: ACMG Guidelines, 2015. Collection method: clinical testing. Allele origin: germline.

Rare Disease Genomics Group, St George's University of London
Classification: Uncertain significance for Primary pulmonary hypertension. Review status: no assertion criteria provided. Collection method: literature only. Allele origin: germline. Affected: yes. Not counted in ClinVar's aggregate classification.

Literature cited by the submitters: PubMed 16429395 (cited by Labcorp Genetics (formerly Invitae), Labcorp and Rare Disease Genomics Group, St George's University of London); PubMed 19844076 (cited by Labcorp Genetics (formerly Invitae), Labcorp); PubMed 21801371 (cited by Labcorp Genetics (formerly Invitae), Labcorp and Rare Disease Genomics Group, St George's University of London); PubMed 26387786 (cited by Rare Disease Genomics Group, St George's University of London).